The following is an entry in ClinVar:

ClinVar aggregate classification (germline): Likely benign. Review status: criteria provided, single submitter (1 of 4 stars). 2 submissions from 2 submitters: Likely benign (1). 1 of the submissions does not count toward it. Last evaluated 2024-11-01.

Conditions:
HERC2-related disorder. Also called: HERC2-related condition.

Allele frequency attached by ClinVar (database versions not stated): gnomAD exomes 0.00006; ExAC 0.00015; ESP Exome Variant Server 0.00031; 1000 Genomes Project 0.00040; TOPMed 0.00056; gnomAD 0.00061; 1000 Genomes Project 30x 0.00094.
gnomAD v4.1: 178 of 1,611,836 alleles (0.011%); highest among the groups gnomAD compares: African/African-American, 0.2%; 2 homozygotes.

Submissions (2):

Blueprint Genetics
Classification: Likely benign. Last evaluated: 2024-11-01. Review status: criteria provided, single submitter. Criteria: ACMG Guidelines, 2015. Collection method: clinical testing. Allele origin: germline.

PreventionGenetics, part of Exact Sciences
Classification: Likely benign for HERC2-related condition. Last evaluated: 2022-02-28. Review status: no assertion criteria provided. Collection method: clinical testing. Allele origin: germline. Not counted in ClinVar's aggregate classification.
Comment: This variant is classified as likely benign based on ACMG/AMP sequence variant interpretation guidelines (Richards et al. 2015 PMID: 25741868, with internal and published modifications).

NM_004667.6(HERC2):c.10713G>A (p.Ala3571=)

Gene: HERC2 (HECT and RLD domain containing E3 ubiquitin protein ligase 2; minus strand). Cytogenetic location: 15q13.1.
Variant type: single nucleotide variant.
Coding change: c.10713G>A on transcript NM_004667.6 (MANE Select); coding-DNA position 10713, G replaced by A.
Protein change: p.Ala3571=; no amino-acid change (alanine 3571 retained).
Molecular consequence: synonymous variant.
Genome position (GRCh38, 1-based): chr15:28,163,127, C>T on the plus strand (G>A on the coding strand, the complement: HERC2 is on the minus strand). VCF-style: chr15-28163127-C-T. GRCh37 (hg19) VCF-style: chr15-28408273-C-T.
Identifiers: ClinVar variation 3038626 (VCV003038626.3), dbSNP rs142209264, ClinGen allele CA7440772.